The following is an entry in ClinVar:

NM_001372.4(DNAH9):c.4554_4563del (p.Thr1520fs)

Gene: DNAH9 (dynein axonemal heavy chain 9; plus strand). Cytogenetic location: 17p12.
Variant type: Deletion.
Coding change: c.4554_4563del on transcript NM_001372.4 (MANE Select); coding-DNA positions 4554 to 4563, 10 bases deleted (ATGGACTCAC; older notation c.4554_4563delATGGACTCAC).
Protein change: p.Thr1520fs; shifts the reading frame from threonine 1520.
Molecular consequence: frameshift variant.
Genome position (GRCh38, 1-based): chr17:11,690,376-11,690,385, ATGGACTCAC deleted; deleting any 10 consecutive bases within chr17:11,690,374-11,690,385 gives the same sequence; the c. name uses the placement nearest the transcript's 3' end. VCF-style (leftmost placement, unchanged base first): chr17-11690373-AACATGGACTC-A. GRCh37 (hg19) VCF-style: chr17-11593690-AACATGGACTC-A.
Other names: short protein forms T1520fs.
Identifiers: ClinVar variation 2872479 (VCV002872479.3), dbSNP rs1433816476, ClinGen allele CA726065541.

ClinVar aggregate classification (germline): Pathogenic (1 of 4 stars; one submission).

Submission:

Labcorp Genetics (formerly Invitae), Labcorp
Classification: Pathogenic. Last evaluated: 2023-07-22. Review status: criteria provided, single submitter. Criteria: Invitae Variant Classification Sherloc (09022015). Collection method: clinical testing. Allele origin: germline.
Comment: This variant has not been reported in the literature in individuals affected with DNAH9-related conditions. For these reasons, this variant has been classified as Pathogenic. This variant is not present in population databases (gnomAD no frequency). This sequence change creates a premature translational stop signal (p.Thr1520Lysfs*31) in the DNAH9 gene. It is expected to result in an absent or disrupted protein product. Loss-of-function variants in DNAH9 are known to be pathogenic (PMID: 30471718).

Literature cited by the submitters: PubMed 30471718.